The following is an entry in ClinVar:

NM_006269.2(RP1):c.445A>T (p.Met149Leu)

Gene: RP1 (RP1 axonemal microtubule associated; plus strand). Cytogenetic location: 8q12.1.
Variant type: single nucleotide variant.
Coding change: c.445A>T on transcript NM_006269.2 (MANE Select); coding-DNA position 445, A replaced by T.
Protein change: p.Met149Leu; replaces methionine 149 with leucine.
Molecular consequence: missense variant.
Genome position (GRCh38, 1-based): chr8:54,621,411, A>T. VCF-style: chr8-54621411-A-T. GRCh37 (hg19) VCF-style: chr8-55533971-A-T.
Other names: c.445A>T, p.Met149Leu (NM_001375654.1); short protein forms M149L.
Identifiers: ClinVar variation 4771755 (VCV004771755.1).

ClinVar aggregate classification (germline): Uncertain significance (1 of 4 stars; one submission).

Submission:

Labcorp Genetics (formerly Invitae), Labcorp
Classification: Uncertain significance. Last evaluated: 2025-10-29. Review status: criteria provided, single submitter. Criteria: Invitae Variant Classification Sherloc (09022015). Collection method: clinical testing. Allele origin: germline.
Comment: This sequence change replaces methionine, which is neutral and non-polar, with leucine, which is neutral and non-polar, at codon 149 of the RP1 protein (p.Met149Leu). This variant is not present in population databases (gnomAD no frequency). This variant has not been reported in the literature in individuals affected with RP1-related conditions. An algorithm developed to predict the effect of missense changes on protein structure and function outputs the following: PolyPhen-2: "Benign". The leucine amino acid residue is found in multiple mammalian species, which suggests that this missense change does not adversely affect protein function. In summary, the available evidence is currently insufficient to determine the role of this variant in disease. Therefore, it has been classified as a Variant of Uncertain Significance.